The following is an entry in ClinVar:

NM_000161.3(GCH1):c.278A>G (p.Lys93Arg)

Gene: GCH1 (GTP cyclohydrolase 1; minus strand). Cytogenetic location: 14q22.2.
Variant type: single nucleotide variant.
Coding change: c.278A>G on transcript NM_000161.3 (MANE Select); coding-DNA position 278, A replaced by G.
Protein change: p.Lys93Arg; replaces lysine 93 with arginine.
Molecular consequence: missense variant.
Genome position (GRCh38, 1-based): chr14:54,902,386, T>C on the plus strand (A>G on the coding strand, the complement: GCH1 is on the minus strand). VCF-style: chr14-54902386-T-C. GRCh37 (hg19) VCF-style: chr14-55369104-T-C.
Other names: c.278A>G, p.Lys93Arg (NM_001024024.2, NM_001024070.2, NM_001024071.2 and 1 more transcripts); short protein forms K93R.
Identifiers: ClinVar variation 3751212 (VCV003751212.2).

ClinVar aggregate classification (germline): Uncertain significance (1 of 4 stars; one submission).

Conditions:
GTP cyclohydrolase I deficiency. Identifiers: MedGen C0268467, MONDO:0100184.
Dystonia 5 (DRD). Also called: DYSTONIA, PROGRESSIVE, WITH DIURNAL VARIATION; DYSTONIA-PARKINSONISM WITH DIURNAL FLUCTUATION; GTP Cyclohydrolase 1-Deficient Dopa-Responsive Dystonia; Dystonia, DOPA-responsive, with or without hyperphenylalaninemia; DYT-GCH1. Identifiers: Orphanet 98808, MedGen C1851920, MONDO:0007495, OMIM 128230.

gnomAD v4.1: 6 of 1,613,172 alleles (0.00037%); highest among the groups gnomAD compares: Non-Finnish European, 0.00034%; no homozygotes.

Submission:

Labcorp Genetics (formerly Invitae), Labcorp
Classification: Uncertain significance for GTP cyclohydrolase I deficiency; Dystonia 5. Last evaluated: 2025-01-19. Review status: criteria provided, single submitter. Criteria: Invitae Variant Classification Sherloc (09022015). Collection method: clinical testing. Allele origin: germline.
Comment: This sequence change replaces lysine, which is basic and polar, with arginine, which is basic and polar, at codon 93 of the GCH1 protein (p.Lys93Arg). This variant is present in population databases (no rsID available, gnomAD 0.0009%). This variant has not been reported in the literature in individuals affected with GCH1-related conditions. Invitae Evidence Modeling of protein sequence and biophysical properties (such as structural, functional, and spatial information, amino acid conservation, physicochemical variation, residue mobility, and thermodynamic stability) indicates that this missense variant is not expected to disrupt GCH1 protein function with a negative predictive value of 80%. In summary, the available evidence is currently insufficient to determine the role of this variant in disease. Therefore, it has been classified as a Variant of Uncertain Significance.